The following is an entry in ClinVar:

NM_001330588.2(TPP2):c.1645G>A (p.Val549Ile)

Gene: TPP2 (tripeptidyl peptidase 2; plus strand). Cytogenetic location: 13q33.1.
Variant type: single nucleotide variant.
Coding change: c.1645G>A on transcript NM_001330588.2 (MANE Select); coding-DNA position 1645, G replaced by A.
Protein change: p.Val549Ile; replaces valine 549 with isoleucine.
Molecular consequence: missense variant. On other transcripts: non-coding transcript variant (1).
Genome position (GRCh38, 1-based): chr13:102,636,359, G>A. VCF-style: chr13-102636359-G-A. GRCh37 (hg19) VCF-style: chr13-103288709-G-A.
Other names: c.1645G>A, p.Val549Ile (NM_001367947.1, NM_003291.4); short protein forms V549I.
Identifiers: ClinVar variation 1005865 (VCV001005865.7), dbSNP rs575735677, ClinGen allele CA7037783.

ClinVar aggregate classification (germline): Uncertain significance (1 of 4 stars; one submission).

Conditions:
Evans syndrome, immunodeficiency, and premature immunosenescence associated with tripeptidyl-peptidase II deficiency. Identifiers: MedGen CN231723. Disease mechanism: loss of function.

Allele frequency attached by ClinVar (database versions not stated): ExAC 0.00002; TOPMed 0.00002; gnomAD 0.00003; 1000 Genomes Project 30x 0.00016; 1000 Genomes Project 0.00020.
gnomAD v4.1: 17 of 1,613,312 alleles (0.0011%); highest among the groups gnomAD compares: East Asian, 0.0089%; no homozygotes.

Submission:

Labcorp Genetics (formerly Invitae), Labcorp
Classification: Uncertain significance for Evans syndrome, immunodeficiency, and premature immunosenescence associated with tripeptidyl-peptidase II deficiency. Last evaluated: 2023-09-10. Review status: criteria provided, single submitter. Criteria: Invitae Variant Classification Sherloc (09022015). Collection method: clinical testing. Allele origin: germline.
Comment: This sequence change replaces valine, which is neutral and non-polar, with isoleucine, which is neutral and non-polar, at codon 549 of the TPP2 protein (p.Val549Ile). This variant is present in population databases (rs575735677, gnomAD 0.02%). This variant has not been reported in the literature in individuals affected with TPP2-related conditions. ClinVar contains an entry for this variant (Variation ID: 1005865). An algorithm developed to predict the effect of missense changes on protein structure and function (PolyPhen-2) suggests that this variant is likely to be disruptive. In summary, the available evidence is currently insufficient to determine the role of this variant in disease. Therefore, it has been classified as a Variant of Uncertain Significance.